The following is an entry in ClinVar:

ClinVar aggregate classification (germline): Uncertain significance (1 of 4 stars; one submission).

gnomAD v4.1: 2 of 1,607,396 alleles (0.00012%); highest among the groups gnomAD compares: Non-Finnish European, 0.00017%; no homozygotes.

Submission:

Labcorp Genetics (formerly Invitae), Labcorp
Classification: Uncertain significance. Last evaluated: 2022-04-11. Review status: criteria provided, single submitter. Criteria: Invitae Variant Classification Sherloc (09022015). Collection method: clinical testing. Allele origin: germline.
Comment: In summary, the available evidence is currently insufficient to determine the role of this variant in disease. Therefore, it has been classified as a Variant of Uncertain Significance. Algorithms developed to predict the effect of missense changes on protein structure and function are either unavailable or do not agree on the potential impact of this missense change (SIFT: "Tolerated"; PolyPhen-2: "Possibly Damaging"; Align-GVGD: "Class C0"). This sequence change replaces histidine, which is basic and polar, with arginine, which is basic and polar, at codon 487 of the SBF1 protein (p.His487Arg). This variant is not present in population databases (gnomAD no frequency). This variant has not been reported in the literature in individuals affected with SBF1-related conditions.

NM_002972.4(SBF1):c.1460A>G (p.His487Arg)

Gene: SBF1 (SET binding factor 1; minus strand). Cytogenetic location: 22q13.33.
Variant type: single nucleotide variant.
Coding change: c.1460A>G on transcript NM_002972.4 (MANE Select); coding-DNA position 1460, A replaced by G.
Protein change: p.His487Arg; replaces histidine 487 with arginine.
Molecular consequence: missense variant.
Genome position (GRCh38, 1-based): chr22:50,464,710, T>C on the plus strand (A>G on the coding strand, the complement: SBF1 is on the minus strand). VCF-style: chr22-50464710-T-C. GRCh37 (hg19) VCF-style: chr22-50903139-T-C.
Other names: c.1463A>G, p.His488Arg (NM_001365819.1, NM_001410794.1); c.1460A>G, p.His487Arg (NM_001410795.1, NM_197971.1); short protein forms H487R, H488R.
Identifiers: ClinVar variation 2029108 (VCV002029108.4), dbSNP rs2521989027, ClinGen allele CA412217791.